The following is an entry in ClinVar:

NM_001276345.2(TNNT2):c.445C>G (p.Arg149Gly)

Gene: TNNT2 (troponin T2, cardiac type; minus strand). Cytogenetic location: 1q32.1.
Variant type: single nucleotide variant.
Coding change: c.445C>G on transcript NM_001276345.2 (MANE Select); coding-DNA position 445, C replaced by G.
Protein change: p.Arg149Gly; replaces arginine 149 with glycine.
Molecular consequence: missense variant.
Genome position (GRCh38, 1-based): chr1:201,364,342, G>C on the plus strand (C>G on the coding strand, the complement: TNNT2 is on the minus strand). VCF-style: chr1-201364342-G-C. GRCh37 (hg19) VCF-style: chr1-201333470-G-C.
Other names: c.445C>G, p.Arg149Gly (NM_000364.4, NM_001406723.1); c.415C>G, p.Arg139Gly (NM_001001430.3, NM_001001431.3, NM_001276347.2 and 3 more transcripts); c.400C>G, p.Arg134Gly (NM_001001432.3, NM_001406728.1); c.325C>G, p.Arg109Gly (NM_001276346.2); c.412C>G, p.Arg138Gly (NM_001406725.1); short protein forms R134G, R149G, R138G, R109G, R139G.
Identifiers: ClinVar variation 2115456 (VCV002115456.4), dbSNP rs397516465, ClinGen allele CA344205821.

ClinVar aggregate classification (germline): Likely pathogenic (1 of 4 stars; one submission).

Conditions:
Cardiomyopathy, familial restrictive, 3. Identifiers: Orphanet 75249, MedGen C2676271, MONDO:0012900, OMIM 612422.
Dilated cardiomyopathy 1D. Identifiers: Orphanet 154, Orphanet 54260, MedGen C1832243, MONDO:0011095, OMIM 601494.
Hypertrophic cardiomyopathy 2. Also called: TNNT2-Related Familial Hypertrophic Cardiomyopathy. Identifiers: MedGen C1861864, MONDO:0007266, OMIM 115195.

Submission:

Labcorp Genetics (formerly Invitae), Labcorp
Classification: Likely pathogenic for Cardiomyopathy, familial restrictive, 3; Hypertrophic cardiomyopathy 2; Dilated cardiomyopathy 1D. Last evaluated: 2022-11-29. Review status: criteria provided, single submitter. Criteria: Invitae Variant Classification Sherloc (09022015). Collection method: clinical testing. Allele origin: germline.
Comment: Advanced modeling of protein sequence and biophysical properties (such as structural, functional, and spatial information, amino acid conservation, physicochemical variation, residue mobility, and thermodynamic stability) performed at Invitae indicates that this missense variant is expected to disrupt TNNT2 protein function. In summary, the currently available evidence indicates that the variant is pathogenic, but additional data are needed to prove that conclusively. Therefore, this variant has been classified as Likely Pathogenic. This variant disrupts the p.Arg139 amino acid residue in TNNT2. Other variant(s) that disrupt this residue have been determined to be pathogenic (PMID: 20973921, 27532257; Invitae). This suggests that this residue is clinically significant, and that variants that disrupt this residue are likely to be disease-causing. This variant has not been reported in the literature in individuals affected with TNNT2-related conditions. This variant is not present in population databases (gnomAD no frequency). This sequence change replaces arginine, which is basic and polar, with glycine, which is neutral and non-polar, at codon 139 of the TNNT2 protein (p.Arg139Gly).

Literature cited by the submitters: PubMed 20973921; PubMed 27532257.